The following is an entry in ClinVar:

ClinVar aggregate classification (germline): Likely benign. Review status: criteria provided, multiple submitters, no conflicts (2 of 4 stars). 9 submissions from 9 submitters: Likely benign (8). 1 of the submissions does not count toward it. Last evaluated 2026-02-01.

Conditions:
Familial thoracic aortic aneurysm and aortic dissection (TAAD). Also called: Thoracic aortic aneurysms and dissections. Identifiers: Orphanet 91387, MedGen C4707243, MONDO:0019625.
Marfan syndrome (MFS). Also called: Marfan syndrome type 1; Marfan's syndrome; Marfan syndrome, classic; FBN1-Related Marfan Syndrome; MARFAN SYNDROME, TYPE I. Identifiers: Orphanet 284963, Orphanet 558, MedGen C0024796, MONDO:0007947, OMIM 154700.
FBN1-related disorder. Also called: FBN1-related disorders.

Allele frequency attached by ClinVar (database versions not stated): TOPMed 0.00032; ESP Exome Variant Server 0.00046; gnomAD 0.00025 and 0.00026.
gnomAD v4.1: 70 of 1,613,802 alleles (0.0043%); highest among the groups gnomAD compares: African/African-American, 0.089%; 1 homozygote.

Submissions (9):

CeGaT Center for Human Genetics Tuebingen
Classification: Likely benign. Last evaluated: 2026-02-01. Review status: criteria provided, single submitter. Criteria: CeGaT Center For Human Genetics Tuebingen Variant Classification Criteria Version 2. Collection method: clinical testing. Allele origin: germline. Affected: yes. Observed: 1 variant allele.
Comment: FBN1: BP4, BP7

Labcorp Genetics (formerly Invitae), Labcorp
Classification: Likely benign for Marfan syndrome; Familial thoracic aortic aneurysm and aortic dissection. Last evaluated: 2025-09-20. Review status: criteria provided, single submitter. Criteria: Invitae Variant Classification Sherloc (09022015). Collection method: clinical testing. Allele origin: germline.

Blueprint Genetics
Classification: Likely benign. Last evaluated: 2024-05-28. Review status: criteria provided, single submitter. Criteria: ACMG Guidelines, 2015. Collection method: clinical testing. Allele origin: germline.

All of Us Research Program, National Institutes of Health
Classification: Likely benign for Marfan syndrome. Last evaluated: 2023-12-13. Review status: criteria provided, single submitter. Criteria: ACMG Guidelines, 2015. Collection method: clinical testing. Allele origin: germline. Inheritance: Autosomal dominant inheritance. Observed: 19 variant alleles, 19 heterozygotes.
Comment: This study involves interpretation of variants in research participants for the purpose of population health screening. Participant phenotype was not available at the time of variant classification. Additional details can be found in publication PMID: 35346344, PMCID: PMC8962531

GeneDx
Classification: Likely benign. Last evaluated: 2021-01-28. Review status: criteria provided, single submitter. Criteria: GeneDx Variant Classification Process June 2021. Collection method: clinical testing. Allele origin: germline. Affected: yes.

Color Diagnostics, LLC DBA Color Health
Classification: Likely benign for Familial thoracic aortic aneurysm and aortic dissection. Last evaluated: 2018-11-21. Review status: criteria provided, single submitter. Criteria: ACMG Guidelines, 2015. Collection method: clinical testing. Allele origin: germline.

Ambry Genetics
Classification: Likely benign for Familial thoracic aortic aneurysm and aortic dissection. Last evaluated: 2017-05-30. Review status: criteria provided, single submitter. Criteria: Ambry Variant Classification Scheme 2023. Collection method: clinical testing. Allele origin: germline.

Laboratory for Molecular Medicine, Mass General Brigham Personalized Medicine
Classification: Likely benign. Last evaluated: 2012-03-19. Review status: criteria provided, single submitter. Criteria: LMM Criteria. Collection method: clinical testing. Allele origin: germline. Observed: 1 variant allele.
Comment: p.Leu729Leu in Exon 18 of FBN1: This variant is not expected to have clinical si gnificance because it does not alter an amino acid residue and is not located wi thin the splice consensus sequence. It has been identified in 0.1% (10/10384) of African chromosomes by the Exome Aggregation Consortium (ExAC; dbSNP rs61730055).

PreventionGenetics, part of Exact Sciences
Classification: Likely benign for FBN1-related condition. Last evaluated: 2023-01-18. Review status: no assertion criteria provided. Collection method: clinical testing. Allele origin: germline. Not counted in ClinVar's aggregate classification.
Comment: This variant is classified as likely benign based on ACMG/AMP sequence variant interpretation guidelines (Richards et al. 2015 PMID: 25741868, with internal and published modifications).

NM_000138.5(FBN1):c.2187A>C (p.Leu729=)

Gene: FBN1 (fibrillin 1; minus strand). Cytogenetic location: 15q21.1.
Variant type: single nucleotide variant.
Coding change: c.2187A>C on transcript NM_000138.5 (MANE Select); coding-DNA position 2187, A replaced by C.
Protein change: p.Leu729=; no amino-acid change (leucine 729 retained).
Molecular consequence: synonymous variant.
Genome position (GRCh38, 1-based): chr15:48,497,372, T>G on the plus strand (A>C on the coding strand, the complement: FBN1 is on the minus strand). VCF-style: chr15-48497372-T-G. GRCh37 (hg19) VCF-style: chr15-48789569-T-G.
Identifiers: ClinVar variation 379576 (VCV000379576.30), dbSNP rs61730055, ClinGen allele CA047171.
Genomic context (GRCh38, chr15:48,497,372, plus strand): 5'-TATACATTTATAGGTCCCACGAAGGTTTTCACAGATTCCATTTGGGCAAATATCAGGATC[T>G]AGTGCACATTCATTTATATCTGCACCACAAAAAAGGTCAAAATCAATTAAGATTATAAAA-3'
Protein context (NP_000129.3, residues 719-739): SAGSDINECA[Leu729=]DPDICPNGIC